The following is an entry in ClinVar:

NM_001127644.2(GABRA1):c.817T>C (p.Trp273Arg)

Gene: GABRA1 (gamma-aminobutyric acid type A receptor subunit alpha1; plus strand). Cytogenetic location: 5q34.
Variant type: single nucleotide variant.
Coding change: c.817T>C on transcript NM_001127644.2 (MANE Select); coding-DNA position 817, T replaced by C.
Protein change: p.Trp273Arg; replaces tryptophan 273 with arginine.
Molecular consequence: missense variant.
Genome position (GRCh38, 1-based): chr5:161,891,011, T>C. VCF-style: chr5-161891011-T-C. GRCh37 (hg19) VCF-style: chr5-161318017-T-C.
Other names: c.817T>C, p.Trp273Arg (NM_000806.5, NM_001127643.2, NM_001127645.2 and 1 more transcripts); short protein forms W273R.
Identifiers: ClinVar variation 2952177 (VCV002952177.3), dbSNP rs2532280521, ClinGen allele CA362179965.
Genomic context (GRCh38, chr5:161,891,011, plus strand): 5'-TTTGTTATTCAAACATACCTGCCATGCATAATGACAGTGATTCTCTCACAAGTCTCCTTC[T>C]GGCTCAACAGAGAGTCTGTACCAGCAAGAACTGTCTTTGGTAAGTCCCAATCAAGATACA-3'
Protein context (NP_001121116.1, residues 263-283): MTVILSQVSF[Trp273Arg]LNRESVPART

ClinVar aggregate classification (germline): Uncertain significance (1 of 4 stars; one submission).

Conditions:
Idiopathic generalized epilepsy. Also called: Generalised epilepsy; EIG. Identifiers: MedGen C0270850, MONDO:0005579, OMIM 600669.
Epilepsy, idiopathic generalized, susceptibility to, 13. Also called: EPILEPSY, JUVENILE MYOCLONIC, SUSCEPTIBILITY TO, 5. Identifiers: Orphanet 307, Orphanet 64280, MedGen C4013473, MONDO:0012627, OMIM 611136.
Epilepsy, childhood absence 4 (ECA4). Also called: EPILEPSY, CHILDHOOD ABSENCE, SUSCEPTIBILITY TO, 4. Identifiers: Orphanet 307, MedGen C1970160.

Allele frequency attached by ClinVar (database versions not stated): gnomAD exomes below 0.00001.
gnomAD v4.1: 1 of 1,613,918 alleles (0.000062%); highest among the groups gnomAD compares: Non-Finnish European, 0.000085%; no homozygotes.

Submission:

Labcorp Genetics (formerly Invitae), Labcorp
Classification: Uncertain significance for Epilepsy, childhood absence 4; Epilepsy, idiopathic generalized, susceptibility to, 13; Idiopathic generalized epilepsy. Last evaluated: 2023-09-22. Review status: criteria provided, single submitter. Criteria: Invitae Variant Classification Sherloc (09022015). Collection method: clinical testing. Allele origin: germline.
Comment: In summary, the available evidence is currently insufficient to determine the role of this variant in disease. Therefore, it has been classified as a Variant of Uncertain Significance. Advanced modeling of protein sequence and biophysical properties (such as structural, functional, and spatial information, amino acid conservation, physicochemical variation, residue mobility, and thermodynamic stability) performed at Invitae indicates that this missense variant is expected to disrupt GABRA1 protein function. This variant has not been reported in the literature in individuals affected with GABRA1-related conditions. This variant is not present in population databases (gnomAD no frequency). This sequence change replaces tryptophan, which is neutral and slightly polar, with arginine, which is basic and polar, at codon 273 of the GABRA1 protein (p.Trp273Arg).